The following is an entry in ClinVar:

NM_006662.3(SRCAP):c.492+4G>A

Gene: SRCAP (Snf2 related CREBBP activator protein; plus strand). Cytogenetic location: 16p11.2.
Variant type: single nucleotide variant.
Coding change: c.492+4G>A on transcript NM_006662.3 (MANE Select); 4 bases into the intron after coding-DNA position 492, G replaced by A.
Molecular consequence: intron variant.
Genome position (GRCh38, 1-based): chr16:30,707,372, G>A. VCF-style: chr16-30707372-G-A. GRCh37 (hg19) VCF-style: chr16-30718693-G-A.
Identifiers: ClinVar variation 3707842 (VCV003707842.2).

ClinVar aggregate classification (germline): Uncertain significance (1 of 4 stars; one submission).

gnomAD v4.1: 24 of 1,613,224 alleles (0.0015%); highest among the groups gnomAD compares: Non-Finnish European, 0.002%; no homozygotes.

Submission:

Labcorp Genetics (formerly Invitae), Labcorp
Classification: Uncertain significance. Last evaluated: 2024-09-12. Review status: criteria provided, single submitter. Criteria: Invitae Variant Classification Sherloc (09022015). Collection method: clinical testing. Allele origin: germline.
Comment: This sequence change falls in intron 5 of the SRCAP gene. It does not directly change the encoded amino acid sequence of the SRCAP protein. It affects a nucleotide within the consensus splice site. This variant is present in population databases (rs766719167, gnomAD 0.004%). This variant has not been reported in the literature in individuals affected with SRCAP-related conditions. Variants that disrupt the consensus splice site are a relatively common cause of aberrant splicing (PMID: 17576681, 9536098). Algorithms developed to predict the effect of sequence changes on RNA splicing suggest that this variant is not likely to affect RNA splicing. In summary, the available evidence is currently insufficient to determine the role of this variant in disease. Therefore, it has been classified as a Variant of Uncertain Significance.

Literature cited by the submitters: PubMed 17576681; PubMed 9536098.